The following is an entry in ClinVar:

NM_012414.4(RAB3GAP2):c.3563A>C (p.Asn1188Thr)

Gene: RAB3GAP2 (RAB3 GTPase activating non-catalytic protein subunit 2; minus strand). Cytogenetic location: 1q41.
Variant type: single nucleotide variant.
Coding change: c.3563A>C on transcript NM_012414.4 (MANE Select); coding-DNA position 3563, A replaced by C.
Protein change: p.Asn1188Thr; replaces asparagine 1188 with threonine.
Molecular consequence: missense variant.
Genome position (GRCh38, 1-based): chr1:220,154,050, T>G on the plus strand (A>C on the coding strand, the complement: RAB3GAP2 is on the minus strand). VCF-style: chr1-220154050-T-G. GRCh37 (hg19) VCF-style: chr1-220327392-T-G.
Other names: c.3563A>C (NM_012414.3); short protein forms N1188T.
Identifiers: ClinVar variation 2196893 (VCV002196893.5), dbSNP rs749173523, ClinGen allele CA1402090.
Genomic context (GRCh38, chr1:220,154,050, plus strand): 5'-TTTGGATCCATTTCCCCACTAGGTAATAACTGAATTGAAGTTAGGTCTTTGAAAAATGCA[T>G]TTTTTCCCTAAAAAGAAAGAGAGCAAGAAAACTGATGAGTGTGGATTATTAAGGGGGGAG-3'
Protein context (NP_036546.2, residues 1178-1198): PLSLFDSKGK[Asn1188Thr]AFFKDLTSIQ

ClinVar aggregate classification (germline): Uncertain significance. Review status: criteria provided, multiple submitters, no conflicts (2 of 4 stars). 2 submissions from 2 submitters: Uncertain significance (2). Last evaluated 2025-12-15.

Conditions:
Inborn genetic diseases. Identifiers: MedGen C0950123, MeSH D030342.
Warburg micro syndrome 2 (WARBM2). Also called: MICRO SYNDROME 2. Identifiers: Orphanet 2510, MedGen C3280214, MONDO:0013641, OMIM 614225.
Martsolf syndrome (MARTS). Also called: Congenital cataract with intellectual disability and hypogonadotropic hypogonadism syndrome. Identifiers: Orphanet 1387, MedGen C0796037, MONDO:0023910.

Allele frequency attached by ClinVar (database versions not stated): TOPMed below 0.00001; gnomAD exomes 0.00001; ExAC 0.00002.
gnomAD v4.1: 7 of 1,613,172 alleles (0.00043%); highest among the groups gnomAD compares: Admixed American, 0.012%; no homozygotes.

Submissions (2):

Ambry Genetics
Classification: Uncertain significance for Inborn genetic diseases. Last evaluated: 2025-12-15. Review status: criteria provided, single submitter. Criteria: Ambry Variant Classification Scheme 2023. Collection method: clinical testing. Allele origin: germline.

Labcorp Genetics (formerly Invitae), Labcorp
Classification: Uncertain significance for Martsolf syndrome; Warburg micro syndrome 2. Last evaluated: 2022-09-06. Review status: criteria provided, single submitter. Criteria: Invitae Variant Classification Sherloc (09022015). Collection method: clinical testing. Allele origin: germline.
Comment: This variant has not been reported in the literature in individuals affected with RAB3GAP2-related conditions. This variant is present in population databases (rs749173523, gnomAD 0.02%). This sequence change replaces asparagine, which is neutral and polar, with threonine, which is neutral and polar, at codon 1188 of the RAB3GAP2 protein (p.Asn1188Thr). In summary, the available evidence is currently insufficient to determine the role of this variant in disease. Therefore, it has been classified as a Variant of Uncertain Significance. Algorithms developed to predict the effect of missense changes on protein structure and function are either unavailable or do not agree on the potential impact of this missense change (SIFT: "Tolerated"; PolyPhen-2: "Probably Damaging"; Align-GVGD: "Class C0").